The following is an entry in ClinVar:

NM_004456.5(EZH2):c.1210_1212del (p.Glu404del)

Gene: EZH2 (enhancer of zeste 2 polycomb repressive complex 2 subunit; minus strand). Cytogenetic location: 7q36.1.
Variant type: Deletion.
Coding change: c.1210_1212del on transcript NM_004456.5 (MANE Select); coding-DNA positions 1210 to 1212, 3 bases deleted (GAG; older notation c.1210_1212delGAG).
Protein change: p.Glu404del; deletes glutamic acid 404.
Molecular consequence: inframe deletion.
Genome position (GRCh38, 1-based): chr7:148,817,905-148,817,907, CTC deleted on the plus strand (GAG on the coding strand, the reverse complement: EZH2 is on the minus strand). VCF-style (leftmost placement, unchanged base first): chr7-148817904-TCTC-T. GRCh37 (hg19) VCF-style: chr7-148514996-TCTC-T.
Other names: c.1195_1197del, p.Glu399del (NM_001203247.2); c.1168_1170del, p.Glu390del (NM_001203248.2, NM_001203249.2); c.1078_1080del, p.Glu360del (NM_152998.3); short protein forms E360del, E390del, E404del, E399del.
Identifiers: ClinVar variation 953864 (VCV000953864.10), dbSNP rs1805013708, ClinGen allele CA1139660315.

ClinVar aggregate classification (germline): Uncertain significance (1 of 4 stars; one submission).

Conditions:
Weaver syndrome (WVS). Also called: Weaver Smith syndrome; Overgrowth syndrome with accelerated skeletal maturation, unusual facies, and camptodactyly. Identifiers: Orphanet 3447, MedGen C0265210, MONDO:0010193, OMIM 277590.

Allele frequency attached by ClinVar (database versions not stated): TOPMed below 0.00001.

Submission:

Labcorp Genetics (formerly Invitae), Labcorp
Classification: Uncertain significance for Weaver syndrome. Last evaluated: 2024-06-04. Review status: criteria provided, single submitter. Criteria: Invitae Variant Classification Sherloc (09022015). Collection method: clinical testing. Allele origin: germline.
Comment: This variant, c.1210_1212del, results in the deletion of 1 amino acid(s) of the EZH2 protein (p.Glu404del), but otherwise preserves the integrity of the reading frame. This variant is not present in population databases (gnomAD no frequency). This variant has not been reported in the literature in individuals affected with EZH2-related conditions. ClinVar contains an entry for this variant (Variation ID: 953864). Experimental studies and prediction algorithms are not available or were not evaluated, and the functional significance of this variant is currently unknown. In summary, the available evidence is currently insufficient to determine the role of this variant in disease. Therefore, it has been classified as a Variant of Uncertain Significance.